The following is an entry in ClinVar:

NM_182961.4(SYNE1):c.12079-12G>T

Gene: SYNE1 (spectrin repeat containing nuclear envelope protein 1; minus strand). Cytogenetic location: 6q25.2.
Variant type: single nucleotide variant.
Coding change: c.12079-12G>T on transcript NM_182961.4 (MANE Select); 12 bases into the intron before coding-DNA position 12079, G replaced by T.
Molecular consequence: intron variant.
Genome position (GRCh38, 1-based): chr6:152,344,239, C>A on the plus strand (G>T on the coding strand, the complement: SYNE1 is on the minus strand). VCF-style: chr6-152344239-C-A. GRCh37 (hg19) VCF-style: chr6-152665374-C-A.
Other names: c.11866-12G>T (NM_033071.5).
Identifiers: ClinVar variation 355882 (VCV000355882.14), dbSNP rs73783853, ClinGen allele CA4056515.
Genomic context (GRCh38, chr6:152,344,239, plus strand): 5'-CTTGTCGGCTGACGTGCTTCTGAAGTTCGTGTTCCAAACTCTGGTACATCTGAGACAATA[C>A]AATCATGCTGAGATTATGAGAACTGCTTTCTACCTCTATAAAGATCATTCAAATTCAATG-3'

ClinVar aggregate classification (germline): Benign. Review status: criteria provided, multiple submitters, no conflicts (2 of 4 stars). 6 submissions from 5 submitters: Benign (4). 2 of the submissions do not count toward it. Last evaluated 2026-01-26.

Conditions:
Autosomal recessive ataxia, Beauce type. Also called: SYNE1 Deficiency; SYNE1-Related Autosomal Recessive Cerebellar Ataxia; Spinocerebellar ataxia, autosomal recessive 8; ATAXIA, RECESSIVE, OF BEAUCE. Identifiers: Orphanet 88644, MedGen C1853116, MONDO:0012549, OMIM 610743.
Emery-Dreifuss muscular dystrophy 4, autosomal dominant (EDMD4). Also called: EMERY-DREIFUSS MUSCULAR DYSTROPHY 4 WITH VARIABLE FEATURES. Identifiers: Orphanet 261, MedGen C2751807, MONDO:0013071, OMIM 612998.

Allele frequency attached by ClinVar (database versions not stated): gnomAD exomes 0.00277; ExAC 0.00304; ESP Exome Variant Server 0.00692; gnomAD 0.00726 and 0.00771; TOPMed 0.00774; 1000 Genomes Project 0.00938; 1000 Genomes Project 30x 0.00999.
gnomAD v4.1: 3,125 of 1,614,094 alleles (0.19%); highest among the groups gnomAD compares: African/African-American, 2.2%; 24 homozygotes.

Submissions (6):

Labcorp Genetics (formerly Invitae), Labcorp
Classification: Benign for Emery-Dreifuss muscular dystrophy 4, autosomal dominant; Autosomal recessive ataxia, Beauce type. Last evaluated: 2026-01-26. Review status: criteria provided, single submitter. Criteria: Invitae Variant Classification Sherloc (09022015). Collection method: clinical testing. Allele origin: germline.

Illumina Laboratory Services, Illumina
Classification: Benign for Autosomal recessive ataxia, Beauce type. Last evaluated: 2018-01-13. Review status: criteria provided, single submitter. Criteria: ICSL Variant Classification Criteria 13 December 2019. Collection method: clinical testing. Allele origin: germline.
Comment: This variant was observed in the ICSL laboratory as part of a predisposition screen in an ostensibly healthy population. It had not been previously curated by ICSL or reported in the Human Gene Mutation Database (HGMD: prior to June 1st, 2018), and was therefore a candidate for classification through an automated scoring system. Utilizing variant allele frequency, disease prevalence and penetrance estimates, and inheritance mode, an automated score was calculated to assess if this variant is too frequent to cause the disease. Based on the score and internal cut-off values, a variant classified as benign is not then subjected to further curation. The score for this variant resulted in a classification of benign for this disease.

Illumina Laboratory Services, Illumina
Classification: Benign for Emery-Dreifuss muscular dystrophy 4, autosomal dominant. Last evaluated: 2018-01-13. Review status: criteria provided, single submitter. Criteria: ICSL Variant Classification Criteria 13 December 2019. Collection method: clinical testing. Allele origin: germline.
Comment: the same text as in the submission from Illumina Laboratory Services, Illumina above.

GeneDx
Classification: Benign. Last evaluated: 2016-06-06. Review status: criteria provided, single submitter. Criteria: GeneDx Variant Classification (06012015). Collection method: clinical testing. Allele origin: germline. Affected: yes.
Comment: This variant is considered likely benign or benign based on one or more of the following criteria: it is a conservative change, it occurs at a poorly conserved position in the protein, it is predicted to be benign by multiple in silico algorithms, and/or has population frequency not consistent with disease.

Clinical Genetics DNA and cytogenetics Diagnostics Lab, Erasmus MC, Erasmus Medical Center
Classification: Likely benign. Review status: no assertion criteria provided. Collection method: clinical testing. Allele origin: germline. Affected: yes. Study: VKGL Data-share Consensus. Not counted in ClinVar's aggregate classification.

Genome Diagnostics Laboratory, University Medical Center Utrecht
Classification: Likely benign. Review status: no assertion criteria provided. Collection method: clinical testing. Allele origin: germline. Affected: yes. Study: VKGL Data-share Consensus. Not counted in ClinVar's aggregate classification.